The following is an entry in ClinVar:

NM_004304.5(ALK):c.3793G>A (p.Val1265Met)

Gene: ALK (ALK receptor tyrosine kinase; minus strand). Cytogenetic location: 2p23.2.
Variant type: single nucleotide variant.
Coding change: c.3793G>A on transcript NM_004304.5 (MANE Select); coding-DNA position 3793, G replaced by A.
Protein change: p.Val1265Met; replaces valine 1265 with methionine.
Molecular consequence: missense variant.
Genome position (GRCh38, 1-based): chr2:29,209,829, C>T on the plus strand (G>A on the coding strand, the complement: ALK is on the minus strand). VCF-style: chr2-29209829-C-T. GRCh37 (hg19) VCF-style: chr2-29432695-C-T.
Other names: c.589G>A, p.Val197Met (NM_001353765.2); short protein forms V197M, V1265M.
Identifiers: ClinVar variation 3855814 (VCV003855814.1).
Genomic context (GRCh38, chr2:29,209,829, plus strand): 5'-AGGCAGTCTTTACTCACCTGTAGATGTCTCGGGCCATCCCGAAGTCTCCAATCTTGGCCA[C>T]TCTTCCAGGGCCTGGACAGGTCAAGAGGCAGTTTCTGGCAGCAATGTCTCTGGGAAGAAA-3'
Protein context (NP_004295.2, residues 1255-1275): CLLTCPGPGR[Val1265Met]AKIGDFGMAR

ClinVar aggregate classification (germline): Uncertain significance (1 of 4 stars; one submission).

Conditions:
Hereditary cancer-predisposing syndrome. Also called: Hereditary neoplastic syndrome; Neoplastic Syndromes, Hereditary; Tumor predisposition; Hereditary Cancer Syndrome. Identifiers: Orphanet 140162, MedGen C0027672, MeSH D009386, MONDO:0015356.

gnomAD v4.1: 4 of 1,614,198 alleles (0.00025%); highest among the groups gnomAD compares: South Asian, 0.0044%; no homozygotes.

Submission:

Ambry Genetics
Classification: Uncertain significance for Hereditary cancer-predisposing syndrome. Last evaluated: 2025-02-15. Review status: criteria provided, single submitter. Criteria: Ambry Variant Classification Scheme 2023. Collection method: clinical testing. Allele origin: germline.
Comment: The p.V1265M variant (also known as c.3793G>A), located in coding exon 25 of the ALK gene, results from a G to A substitution at nucleotide position 3793. The valine at codon 1265 is replaced by methionine, an amino acid with highly similar properties. This amino acid position is conserved. In addition, the in silico prediction for this alteration is inconclusive. Based on the available evidence, the clinical significance of this variant remains unclear.